The following is an entry in ClinVar:

ClinVar aggregate classification (germline): Conflicting classifications of pathogenicity. Review status: criteria provided, conflicting classifications (1 of 4 stars). 5 submissions from 5 submitters: Uncertain significance (1); Likely benign (3). 1 of the submissions does not count toward it. Last evaluated 2025-11-01.

Conditions:
ABHD12-related disorder. Also called: ABHD12-related condition.
PHARC syndrome. Also called: Polyneuropathy-hearing loss-ataxia-retinitis pigmentosa-cataract syndrome. Identifiers: Orphanet 171848, MedGen C2675204, MONDO:0012984, OMIM 612674.

Allele frequency attached by ClinVar (database versions not stated): gnomAD exomes 0.00006 and 0.00010; ExAC 0.00008; TOPMed 0.00014; ESP Exome Variant Server 0.00015; gnomAD 0.00016 and 0.00020.
gnomAD v4.1: 167 of 1,613,326 alleles (0.01%); highest among the groups gnomAD compares: African/African-American, 0.045%; no homozygotes.

Submissions (5):

Labcorp Genetics (formerly Invitae), Labcorp
Classification: Likely benign. Last evaluated: 2025-11-01. Review status: criteria provided, single submitter. Criteria: Invitae Variant Classification Sherloc (09022015). Collection method: clinical testing. Allele origin: germline.

CeGaT Center for Human Genetics Tuebingen
Classification: Likely benign. Last evaluated: 2024-12-01. Review status: criteria provided, single submitter. Criteria: CeGaT Center For Human Genetics Tuebingen Variant Classification Criteria Version 2. Collection method: clinical testing. Allele origin: germline. Affected: yes. Observed: 1 variant allele.
Comment: ABHD12: BP4, BP7

Blueprint Genetics
Classification: Likely benign. Last evaluated: 2024-10-16. Review status: criteria provided, single submitter. Criteria: ACMG Guidelines, 2015. Collection method: clinical testing. Allele origin: germline.

Illumina Laboratory Services, Illumina
Classification: Uncertain significance for PHARC syndrome. Last evaluated: 2018-01-13. Review status: criteria provided, single submitter. Criteria: ICSL Variant Classification Criteria 13 December 2019. Collection method: clinical testing. Allele origin: germline.

PreventionGenetics, part of Exact Sciences
Classification: Likely benign for ABHD12-related condition. Last evaluated: 2021-09-09. Review status: no assertion criteria provided. Collection method: clinical testing. Allele origin: germline. Not counted in ClinVar's aggregate classification.
Comment: This variant is classified as likely benign based on ACMG/AMP sequence variant interpretation guidelines (Richards et al. 2015 PMID: 25741868, with internal and published modifications).

NM_001042472.3(ABHD12):c.1044C>T (p.Ala348=)

Gene: ABHD12 (abhydrolase domain containing 12, lysophospholipase; minus strand). Cytogenetic location: 20p11.21.
Variant type: single nucleotide variant.
Coding change: c.1044C>T on transcript NM_001042472.3 (MANE Select); coding-DNA position 1044, C replaced by T.
Protein change: p.Ala348=; no amino-acid change (alanine 348 retained).
Molecular consequence: synonymous variant.
Genome position (GRCh38, 1-based): chr20:25,302,332, G>A on the plus strand (C>T on the coding strand, the complement: ABHD12 is on the minus strand). VCF-style: chr20-25302332-G-A. GRCh37 (hg19) VCF-style: chr20-25282968-G-A.
Other names: c.1044C>T, p.Ala348= (NM_015600.5).
Identifiers: ClinVar variation 895669 (VCV000895669.27), dbSNP rs371418239, ClinGen allele CA9795835.